The following is an entry in ClinVar:

NM_000202.8(IDS):c.801_802del (p.Trp267fs)

Genes: IDS (iduronate 2-sulfatase; minus strand), LOC106050102 (IDS recombination region; plus strand). Cytogenetic location: Xq28.
Variant type: Deletion.
Coding change: c.801_802del on transcript NM_000202.8 (MANE Select); coding-DNA positions 801 to 802, 2 bases deleted (GA; older notation c.801_802delGA).
Protein change: p.Trp267fs; shifts the reading frame from tryptophan 267.
Molecular consequence: frameshift variant. On other transcripts: non-coding transcript variant (1).
Genome position (GRCh38, 1-based): chrX:149,496,423-149,496,424, TC deleted on the plus strand (GA on the coding strand, the reverse complement: IDS is on the minus strand). VCF-style (leftmost placement, unchanged base first): chrX-149496422-ATC-A. GRCh37 (hg19) VCF-style: chrX-148577953-ATC-A.
Other names: c.531_532del, p.Trp177fs (NM_001166550.4); c.801_802del, p.Trp267fs (NM_006123.5); short protein forms W177fs, W267fs.
Identifiers: ClinVar variation 3255848 (VCV003255848.2).

ClinVar aggregate classification (germline): Pathogenic (1 of 4 stars; one submission).

Conditions:
Mucopolysaccharidosis, MPS-II (MPS2). Also called: Hunter Syndrome; IDURONATE 2-SULFATASE DEFICIENCY; Mucopolysaccharidosis Type II; Mucopolysaccharidosis type 2; Attenuated MPS (subtype; formerly known as mild MPS II); Severe MPS II. Identifiers: Orphanet 580, Orphanet 79388, MedGen C0026705, MONDO:0010674, OMIM 309900.

Submission:

Laboratory of Diagnosis and Therapy of Lysosomal Disorders, University of Padova
Classification: Pathogenic for Mucopolysaccharidosis, MPS-II. Last evaluated: 2024-06-07. Review status: criteria provided, single submitter. Criteria: ACMG Guidelines, 2015. Collection method: literature only. Allele origin: germline. Affected: yes. Observed: 1 variant allele.
Comment: Null variant (PVS1_VeryStrong), Absent from controls (or at low frequency) in gnomAD database (PM2_Moderate), Patient’s phenotype or family history highly specific for the disease (PP4_Strong)

Classification method: ACMG Guidelines [PMID:25741868] with modifications

Literature cited by the submitters: PubMed 36713083.